The following is an entry in ClinVar:

ClinVar aggregate classification (germline): Conflicting classifications of pathogenicity. Review status: criteria provided, conflicting classifications (1 of 4 stars). 10 submissions from 9 submitters: Uncertain significance (4); Likely benign (6). Last evaluated 2026-09-01.

Conditions:
Cardiovascular phenotype. Identifiers: MedGen CN230736.
Hypercholesterolemia, autosomal dominant, type B (FHCL2). Also called: Hyperlipoproteinemia Type IIb; Familial hypercholesterolemia 2; APOB-Related Familial Hypercholesterolemia, Autosomal Dominant; HYPERCHOLESTEROLEMIA, FAMILIAL, DUE TO LIGAND-DEFECTIVE APOLIPOPROTEIN B; Familial Hypercholesterolemia Type B; APOLIPOPROTEIN B-100, FAMILIAL DEFECTIVE. Identifiers: MedGen C1704417, MONDO:0007751, OMIM 144010.
Familial hypobetalipoproteinemia 1. Also called: APOB-Related Familial Hypobetalipoproteinemia; Hypobetalipoproteinemia, normotriglyceridemic; Acanthocytosis with hypobetalipoproteinemia. Identifiers: MedGen C4551990, MONDO:0014252, OMIM 615558.
APOB-related disorder. Also called: APOB-related disorders; APOB-related condition.

Allele frequency attached by ClinVar (database versions not stated): ESP Exome Variant Server 0.00008; gnomAD 0.00010 and 0.00011; TOPMed 0.00011; ExAC 0.00015; gnomAD exomes 0.00017.
gnomAD v4.1: 447 of 1,613,920 alleles (0.028%); highest among the groups gnomAD compares: Middle Eastern, 0.067%; 1 homozygote.

Submissions (11):

CeGaT Center for Human Genetics Tuebingen
Classification: Likely benign. Last evaluated: 2026-09-01. Review status: criteria provided, single submitter. Criteria: CeGaT Center For Human Genetics Tuebingen Variant Classification Criteria Version 2. Collection method: clinical testing. Allele origin: germline. Affected: yes. Observed: 1 variant allele.
Comment: APOB: BP4, BS1

Labcorp Genetics (formerly Invitae), Labcorp
Classification: Likely benign for Familial hypobetalipoproteinemia 1; Hypercholesterolemia, autosomal dominant, type B. Last evaluated: 2026-01-28. Review status: criteria provided, single submitter. Criteria: Invitae Variant Classification Sherloc (09022015). Collection method: clinical testing. Allele origin: germline.

PreventionGenetics, part of Exact Sciences
Classification: Likely benign for APOB-related condition. Last evaluated: 2025-06-06. Review status: criteria provided, single submitter. Criteria: ACMG Guidelines, 2015. Collection method: clinical testing. Allele origin: germline.
Comment: This variant is classified as likely benign based on ACMG/AMP sequence variant interpretation guidelines (Richards et al. 2015 PMID: 25741868, with internal and published modifications).

Blueprint Genetics
Classification: Likely benign. Last evaluated: 2024-10-03. Review status: criteria provided, single submitter. Criteria: ACMG Guidelines, 2015. Collection method: clinical testing. Allele origin: germline.

Quest Diagnostics Nichols Institute San Juan Capistrano
Classification: Uncertain significance. Last evaluated: 2024-10-01. Review status: criteria provided, single submitter. Criteria: Quest Diagnostics criteria. Collection method: clinical testing. Allele origin: unknown.
Comment: The APOB c.400G>T (p.Ala134Ser) variant has not been reported in individuals with APOB-related conditions in the published literature. The frequency of this variant in the general population, 0.00049 (15/30614 chromosomes (Genome Aggregation Database)), is uninformative in the assessment of its pathogenicity. Analysis of this variant using bioinformatics tools for the prediction of the effect of amino acid changes on protein structure and function yielded predictions that this variant is benign. Based on the available information, we are unable to determine the clinical significance of this variant.

Ambry Genetics
Classification: Likely benign for Cardiovascular phenotype. Last evaluated: 2022-01-12. Review status: criteria provided, single submitter. Criteria: Ambry Variant Classification Scheme 2023. Collection method: clinical testing. Allele origin: germline.

New York Genome Center
Classification: Uncertain significance for Hypercholesterolemia, autosomal dominant, type B; Familial hypobetalipoproteinemia 1. Last evaluated: 2021-12-17. Review status: criteria provided, single submitter. Criteria: NYGC Assertion Criteria 2020. Collection method: clinical testing. Allele origin: germline. Observed: 1 heterozygote.

GeneDx
Classification: Likely benign. Last evaluated: 2021-01-25. Review status: criteria provided, single submitter. Criteria: GeneDx Variant Classification Process June 2021. Collection method: clinical testing. Allele origin: germline. Affected: yes.

Illumina Laboratory Services, Illumina
Classification: Uncertain significance for Familial hypobetalipoproteinemia 1. Last evaluated: 2018-01-13. Review status: criteria provided, single submitter. Criteria: ICSL Variant Classification Criteria 13 December 2019. Collection method: clinical testing. Allele origin: germline.

Illumina Laboratory Services, Illumina
Classification: Uncertain significance for Hypercholesterolemia, autosomal dominant, type B. Last evaluated: 2018-01-13. Review status: criteria provided, single submitter. Criteria: ICSL Variant Classification Criteria 13 December 2019. Collection method: clinical testing. Allele origin: germline.

Dr. Peter K. Rogan Lab, Western University
No classification provided (evidence only). Condition: Gastric cancer. Review status: no classification provided. Collection method: in vitro. Allele origin: not applicable. Functional consequence: retained intron. Not counted in ClinVar's aggregate classification.

NM_000384.3(APOB):c.400G>T (p.Ala134Ser)

Gene: APOB (apolipoprotein B; minus strand). Cytogenetic location: 2p24.1.
Variant type: single nucleotide variant.
Coding change: c.400G>T on transcript NM_000384.3 (MANE Select); coding-DNA position 400, G replaced by T.
Protein change: p.Ala134Ser; replaces alanine 134 with serine.
Molecular consequence: missense variant.
Genome position (GRCh38, 1-based): chr2:21,038,095, C>A on the plus strand (G>T on the coding strand, the complement: APOB is on the minus strand). VCF-style: chr2-21038095-C-A. GRCh37 (hg19) VCF-style: chr2-21260967-C-A.
Other names: short protein forms A134S.
Identifiers: ClinVar variation 334185 (VCV000334185.28), dbSNP rs368321279, ClinGen allele CA060339.
Genomic context (GRCh38, chr2:21,038,095, plus strand): 5'-GGATGTAAGTAGGTTCATCTTTCTCCGGGTAAAGGAAAACCTGCTTCCCTTCTGGAATGG[C>A]CAGCTTGAGCTCATACCTGTCCCAGAGAGAGGATGGTCACGGAAATGTCCTTCTCCATTA-3'
Protein context (NP_000375.3, residues 124-144): AAMSRYELKL[Ala134Ser]IPEGKQVFLY